The following is an entry in ClinVar:

ClinVar aggregate classification (germline): Conflicting classifications of pathogenicity. Review status: criteria provided, conflicting classifications (1 of 4 stars). 12 submissions from 12 submitters: Uncertain significance (8); Likely benign (2). 2 of the submissions do not count toward it. Last evaluated 2026-06-30.

Conditions:
BRCA2-related cancer predisposition. Identifiers: MedGen CN377758, MONDO:0700269.
Hereditary cancer-predisposing syndrome. Also called: Neoplastic Syndromes, Hereditary; Tumor predisposition; Hereditary Cancer Syndrome; Hereditary neoplastic syndrome. Identifiers: Orphanet 140162, MedGen C0027672, MeSH D009386, MONDO:0015356.
Hereditary breast ovarian cancer syndrome. Also called: Hereditary breast and ovarian cancer; Breast and ovarian cancer; Hereditary breast and/or ovarian cancer syndrome; BRCA1- and BRCA2-Associated Hereditary Breast and Ovarian Cancer; Hereditary breast and ovarian cancer syndrome; Hereditary breast and ovarian cancer syndrome (HBOC). Identifiers: Orphanet 145, MedGen C0677776, MeSH D061325, MONDO:0003582. Disease mechanism: loss of function.
Breast-ovarian cancer, familial, susceptibility to, 2 (BROVCA2). Also called: BRCA2 Hereditary Breast and Ovarian Cancer. Identifiers: Orphanet 145, MedGen C2675520, MONDO:0012933, OMIM 612555. Disease mechanism: loss of function.

Allele frequency attached by ClinVar (database versions not stated): gnomAD exomes 0.00001.
gnomAD v4.1: 10 of 1,613,568 alleles (0.00062%); highest among the groups gnomAD compares: Non-Finnish European, 0.00085%; no homozygotes.

Submissions (12):

Women's Health and Genetics/Laboratory Corporation of America, LabCorp
Classification: Likely benign. Last evaluated: 2026-06-30. Review status: criteria provided, single submitter. Criteria: LabCorp Variant Classification Summary - May 2015. Collection method: clinical testing. Allele origin: germline.
Comment: Variant summary: BRCA2 c.8309C>A (p.Ala2770Asp) results in a non-conservative amino acid change located in the BRCA2, oligonucleotide/oligosaccharide-binding, domain (IPR015187) of the encoded protein sequence. Algorithms developed to predict the effect of missense changes on protein structure and function all suggest that this variant is likely to be disruptive. The variant was absent in 248382 control chromosomes. The available data on variant occurrences in the general population are insufficient to allow any conclusion about variant significance. c.8309C>A has been observed in individual(s) affected with BRCA2-related conditions (Herzog_2021). These report(s) do not provide unequivocal conclusions about association of the variant with disease. At least one publication reports experimental evidence evaluating an impact on protein function (Richardson_2021, Hu_2022). These results showed no damaging effect of this variant on homology directed repair (HDR) activity. The HDR assay qualifies as a standardized gold-standard assay on the basis of the updated guidance provided by the ClinGen Sequence Variant Interpretation (SVI) Working Group (Brnich_2019). ClinGen SVI now recognizes benign functional evidence as sufficient for likely benign (Tavtigian_2018). The following publications have been ascertained in the context of this evaluation (PMID: 18724707, 26155992, 33609447, 32377563, 34413315, 35736817). ClinVar contains an entry for this variant (Variation ID: 38151). Based on the evidence outlined above, the variant was classified as likely benign.

Labcorp Genetics (formerly Invitae), Labcorp
Classification: Uncertain significance for Hereditary breast ovarian cancer syndrome. Last evaluated: 2025-12-31. Review status: criteria provided, single submitter. Criteria: Invitae Variant Classification Sherloc (09022015). Collection method: clinical testing. Allele origin: germline.
Comment: This sequence change replaces alanine, which is neutral and non-polar, with aspartic acid, which is acidic and polar, at codon 2770 of the BRCA2 protein (p.Ala2770Asp). This variant is not present in population databases (gnomAD no frequency). This missense change has been observed in individual(s) with clinical features of BRCA2-related conditions (PMID: 21520333, 35980532). ClinVar contains an entry for this variant (Variation ID: 38151). Invitae Evidence Modeling incorporating data from in vitro experimental studies (PMID: 33609447) indicates that this missense variant is not expected to disrupt BRCA2 function with a negative predictive value of 95%. Experimental studies have shown that this missense change does not substantially affect BRCA2 function (PMID: 35736817). In summary, the available evidence is currently insufficient to determine the role of this variant in disease. Therefore, it has been classified as a Variant of Uncertain Significance.

Hema, HEMA – Genetic and Molecular Diagnostic Laboratory
Classification: Uncertain significance for BRCA2-related cancer predisposition. Last evaluated: 2025-08-25. Review status: criteria provided, single submitter. Criteria: HEMA Variant Classification Assertion Criteria. Collection method: clinical testing. Allele origin: germline.
Comment: It is a transversion from cytosine to adenine, resulting in the substitution of alanine 2770 with aspartic acid in the BRCA2 protein. PM2_Supporting: Absent in gnomAD v2.1 non-cancer and gnomAD v3.1 non-cancer. PP3: The computational metapredictor BayesDel non-AF score = 0.30 ≥ 0.30 indicates that the variant would affect the function of the BRCA2 protein. BS3: Functional studies showed that the variant does not affect the activity of BRCA2 (PMID: 33609447).

Quest Diagnostics Nichols Institute San Juan Capistrano
Classification: Uncertain significance. Last evaluated: 2024-04-16. Review status: criteria provided, single submitter. Criteria: Quest Diagnostics criteria. Collection method: clinical testing. Allele origin: unknown.
Comment: The BRCA2 c.8309C>A (p.Ala2770Asp) variant has been reported in the published literature in an individual with a personal and/or family history of breast cancer (PMID: 35980532 (2022)). Functional studies have indicated that this variant does not affect the homology-directed DNA repair (HDR) activity of the BRCA2 protein (PMID: 32377563 (2020), 33609447 (2021), 35736817 (2022)). This variant has not been reported in large, multi-ethnic general populations (Genome Aggregation Database). Analysis of this variant using bioinformatics tools for the prediction of the effect of amino acid changes on protein structure and function yielded predictions that this variant is damaging. Based on the available information, we are unable to determine the clinical significance of this variant.

Color Diagnostics, LLC DBA Color Health
Classification: Uncertain significance for Hereditary cancer-predisposing syndrome. Last evaluated: 2024-03-25. Review status: criteria provided, single submitter. Criteria: ACMG Guidelines, 2015. Collection method: clinical testing. Allele origin: germline.
Comment: This missense variant replaces alanine with aspartic acid at codon 2770 of the BRCA2 protein. Computational prediction is inconclusive regarding the impact of this variant on protein structure and function. Functional studies have shown that this variant does not impact homology-directed DNA repair activity (PMID: 33609447, 35736817). This variant has been reported in an individual with a family or personal history of cancer (PMID: 34413315). This variant has not been identified in the general population by the Genome Aggregation Database (gnomAD). The available evidence is insufficient to determine the role of this variant in disease conclusively. Therefore, this variant is classified as a Variant of Uncertain Significance.

All of Us Research Program, National Institutes of Health
Classification: Uncertain significance for BRCA2-related cancer predisposition. Last evaluated: 2024-03-05. Review status: criteria provided, single submitter. Criteria: ACMG Guidelines, 2015. Collection method: clinical testing. Allele origin: germline. Inheritance: Autosomal dominant inheritance. Observed: 5 variant alleles, 5 heterozygotes.
Comment: This missense variant replaces alanine with aspartic acid at codon 2770 of the BRCA2 protein. Computational prediction is inconclusive regarding the impact of this variant on protein structure and function (internally defined REVEL score threshold 0.5 < inconclusive < 0.7, PMID: 27666373). Functional studies have shown that this variant does not impact homology-directed DNA repair activity (PMID: 33609447, 35736817). This variant has been reported in an individual with a family or personal history of cancer (PMID: 34413315). This variant has not been identified in the general population by the Genome Aggregation Database (gnomAD). The available evidence is insufficient to determine the role of this variant in disease conclusively. Therefore, this variant is classified as a Variant of Uncertain Significance.

This study involves interpretation of variants in research participants for the purpose of population health screening. Participant phenotype was not available at the time of variant classification. Additional details can be found in publication PMID: 35346344, PMCID: PMC8962531

Mendelics
Classification: Uncertain significance. Last evaluated: 2022-05-04. Review status: criteria provided, single submitter. Criteria: Mendelics Assertion Criteria 2019. Collection method: clinical testing. Allele origin: germline.

Ambry Genetics
Classification: Likely benign for Hereditary cancer-predisposing syndrome. Last evaluated: 2020-01-25. Review status: criteria provided, single submitter. Criteria: Ambry Variant Classification Scheme 2023. Collection method: clinical testing. Allele origin: germline.

Revvity Omics, Revvity
Classification: Uncertain significance. Last evaluated: 2019-08-06. Review status: criteria provided, single submitter. Criteria: ACMG Guidelines, 2015. Collection method: clinical testing. Allele origin: germline.

GeneDx
Classification: Uncertain significance. Last evaluated: 2017-12-20. Review status: criteria provided, single submitter. Criteria: GeneDx Variant Classification (06012015). Collection method: clinical testing. Allele origin: germline. Affected: yes.
Comment: This variant is denoted BRCA2 c.8309C>A at the cDNA level, p.Ala2770Asp (A2770D) at the protein level, and results in the change of an Alanine to an Aspartic Acid (GCC>GAC). Using alternate nomenclature, this variant would be defined as BRCA2 8537C>A. This variant has not, to our knowledge, been published in the literature as a germline variant; however, it has been reported as a somatic variant in a cervical tumor (Muller 2015). BRCA2 Ala2770Asp was not observed in large population cohorts (Lek 2016). Since Alanine and Aspartic Acid differ in polarity, charge, size or other properties, this is considered a non-conservative amino acid substitution. BRCA2 Ala2770Asp is located in the DNA binding domain (Yang 2002). In-silico analysis, which includes protein predictors and evolutionary conservation, supports that this variant does not alter protein structure/function. Based on currently available evidence, it is unclear whether BRCA2 Ala2770Asp is a pathogenic or benign variant. We consider it to be a variant of uncertain significance.

Counsyl
Classification: Uncertain significance for Breast-ovarian cancer, familial, susceptibility to, 2. Last evaluated: 2017-05-26. Review status: no assertion criteria provided. Collection method: clinical testing. Allele origin: unknown. Not counted in ClinVar's aggregate classification.

Sharing Clinical Reports Project (SCRP)
Classification: Uncertain significance for Breast-ovarian cancer, familial 2. Last evaluated: 2009-04-22. Review status: no assertion criteria provided. Collection method: clinical testing. Allele origin: germline. Not counted in ClinVar's aggregate classification.

Literature cited by the submitters: PubMed 18724707 (cited by Women's Health and Genetics/Laboratory Corporation of America, LabCorp and Quest Diagnostics Nichols Institute San Juan Capistrano); PubMed 26155992 (cited by Women's Health and Genetics/Laboratory Corporation of America, LabCorp and Quest Diagnostics Nichols Institute San Juan Capistrano); PubMed 33609447 (cited by 6 submitters); PubMed 32377563 (cited by Women's Health and Genetics/Laboratory Corporation of America, LabCorp and Quest Diagnostics Nichols Institute San Juan Capistrano); PubMed 34413315 (cited by 4 submitters); PubMed 35736817 (cited by 5 submitters); PubMed 21520333 (cited by Labcorp Genetics (formerly Invitae), Labcorp); PubMed 35980532 (cited by Labcorp Genetics (formerly Invitae), Labcorp and Quest Diagnostics Nichols Institute San Juan Capistrano); PubMed 12228710 (cited by Ambry Genetics).

NM_000059.4(BRCA2):c.8309C>A (p.Ala2770Asp)

Gene: BRCA2 (BRCA2 DNA repair associated; plus strand). Cytogenetic location: 13q13.1.
Variant type: single nucleotide variant.
Coding change: c.8309C>A on transcript NM_000059.4 (MANE Select); coding-DNA position 8309, C replaced by A.
Protein change: p.Ala2770Asp; replaces alanine 2770 with aspartic acid.
Molecular consequence: missense variant.
Genome position (GRCh38, 1-based): chr13:32,363,511, C>A. VCF-style: chr13-32363511-C-A. GRCh37 (hg19) VCF-style: chr13-32937648-C-A.
Other names: 8537C>A; short protein forms A2770D.
Identifiers: ClinVar variation 38151 (VCV000038151.36), dbSNP rs28897750, ClinGen allele CA025562.